The following is an entry in ClinVar:

NM_000138.5(FBN1):c.916_919del (p.Asn306fs)

Gene: FBN1 (fibrillin 1; minus strand). Cytogenetic location: 15q21.1.
Variant type: Deletion.
Coding change: c.916_919del on transcript NM_000138.5 (MANE Select); coding-DNA positions 916 to 919, 4 bases deleted (AACA; older notation c.916_919delAACA).
Protein change: p.Asn306fs; shifts the reading frame from asparagine 306.
Molecular consequence: frameshift variant.
Genome position (GRCh38, 1-based): chr15:48,526,199-48,526,202, TGTT deleted on the plus strand (AACA on the coding strand, the reverse complement: FBN1 is on the minus strand); deleting any 4 consecutive bases within chr15:48,526,199-48,526,205 gives the same sequence; the c. name uses the placement nearest the transcript's 3' end. VCF-style (leftmost placement, unchanged base first): chr15-48526198-GTGTT-G. GRCh37 (hg19) VCF-style: chr15-48818395-GTGTT-G.
Other names: c.916_919delAACA (NM_000138.4); short protein forms N306fs.
Identifiers: ClinVar variation 645004 (VCV000645004.6), dbSNP rs1597587532, ClinGen allele CA915946609.
Genomic context (GRCh38, chr15:48,526,198, plus strand): 5'-CTGGTACCATCTGGAGAGGTGTAAAAACCAGGGGGACATTTGCAAAAGTAACTGCTGACT[GTGTT>G]TGTACATTCACCCCCTTCACAGATTCCAGGAATGGTGCTGCATTCATCAATATCTGGAAT-3'

ClinVar aggregate classification (germline): Pathogenic (1 of 4 stars; one submission).

Conditions:
Familial thoracic aortic aneurysm and aortic dissection (TAAD). Also called: Thoracic aortic aneurysms and dissections. Identifiers: Orphanet 91387, MedGen C4707243, MONDO:0019625.
Marfan syndrome (MFS). Also called: FBN1-Related Marfan Syndrome; Marfan syndrome type 1; Marfan's syndrome; Marfan syndrome, classic; MARFAN SYNDROME, TYPE I. Identifiers: Orphanet 284963, Orphanet 558, MedGen C0024796, MONDO:0007947, OMIM 154700.

Submission:

Labcorp Genetics (formerly Invitae), Labcorp
Classification: Pathogenic for Marfan syndrome; Familial thoracic aortic aneurysm and aortic dissection. Last evaluated: 2018-11-12. Review status: criteria provided, single submitter. Criteria: Invitae Variant Classification Sherloc (09022015). Collection method: clinical testing. Allele origin: germline.
Comment: This variant is not present in population databases (ExAC no frequency). For these reasons, this variant has been classified as Pathogenic. Loss-of-function variants in FBN1 are known to be pathogenic (PMID: 17657824, 19293843). This variant has not been reported in the literature in individuals with FBN1-related disease. This sequence change creates a premature translational stop signal (p.Asn306Glnfs*23) in the FBN1 gene. It is expected to result in an absent or disrupted protein product.

Literature cited by the submitters: PubMed 17657824; PubMed 19293843.